The following is an entry in ClinVar:

NM_004260.4(RECQL4):c.1907G>C (p.Cys636Ser)

Gene: RECQL4 (RecQ like helicase 4; minus strand). Cytogenetic location: 8q24.3.
Variant type: single nucleotide variant.
Coding change: c.1907G>C on transcript NM_004260.4 (MANE Select); coding-DNA position 1907, G replaced by C.
Protein change: p.Cys636Ser; replaces cysteine 636 with serine.
Molecular consequence: missense variant. On other transcripts: non-coding transcript variant (3).
Genome position (GRCh38, 1-based): chr8:144,514,079, C>G on the plus strand (G>C on the coding strand, the complement: RECQL4 is on the minus strand). VCF-style: chr8-144514079-C-G. GRCh37 (hg19) VCF-style: chr8-145739463-C-G.
Other names: c.1811G>C, p.Cys604Ser (NM_001413017.1, NM_001413020.1); c.1907G>C, p.Cys636Ser (NM_001413018.1, NM_001413019.1, NM_001413036.1); c.836G>C, p.Cys279Ser (NM_001413021.1, NM_001413022.1, NM_001413023.1 and 6 more transcripts); c.1778G>C, p.Cys593Ser (NM_001413025.1); c.770G>C, p.Cys257Ser (NM_001413027.1, NM_001413030.1, NM_001413032.1 and 1 more transcripts); c.1556G>C, p.Cys519Ser (NM_001413029.1); c.638G>C, p.Cys213Ser (NM_001413031.1); c.1775G>C, p.Cys592Ser (NM_001413033.1); and 4 more; short protein forms C235S, C257S, C279S, C593S, C519S, C592S, C147S, C269S.
Identifiers: ClinVar variation 3944362 (VCV003944362.1).

ClinVar aggregate classification (germline): Uncertain significance (1 of 4 stars; one submission).

Conditions:
Inborn genetic diseases. Identifiers: MedGen C0950123, MeSH D030342.

Submission:

Ambry Genetics
Classification: Uncertain significance for Inborn genetic diseases. Last evaluated: 2025-06-12. Review status: criteria provided, single submitter. Criteria: Ambry Variant Classification Scheme 2023. Collection method: clinical testing. Allele origin: germline.
Comment: The p.C636S variant (also known as c.1907G>C), located in coding exon 12 of the RECQL4 gene, results from a G to C substitution at nucleotide position 1907. The cysteine at codon 636 is replaced by serine, an amino acid with dissimilar properties. This amino acid position is conserved. In addition, this alteration is predicted to be deleterious by in silico analysis. Based on the available evidence, the clinical significance of this variant remains unclear.